The following is an entry in ClinVar:

ClinVar aggregate classification (germline): Uncertain significance (1 of 4 stars; one submission).

Allele frequency attached by ClinVar (database versions not stated): gnomAD 0.00002; ESP Exome Variant Server 0.00022.

Submission:

Labcorp Genetics (formerly Invitae), Labcorp
Classification: Uncertain significance. Last evaluated: 2025-04-07. Review status: criteria provided, single submitter. Criteria: Invitae Variant Classification Sherloc (09022015). Collection method: clinical testing. Allele origin: germline.
Comment: This sequence change replaces arginine, which is basic and polar, with histidine, which is basic and polar, at codon 338 of the FOXI3 protein (p.Arg338His). This variant is present in population databases (rs369600524, gnomAD 0.02%). This variant has not been reported in the literature in individuals affected with FOXI3-related conditions. ClinVar contains an entry for this variant (Variation ID: 2184656). Experimental studies and prediction algorithms are not available or were not evaluated, and the functional significance of this variant is currently unknown. In summary, the available evidence is currently insufficient to determine the role of this variant in disease. Therefore, it has been classified as a Variant of Uncertain Significance.

NM_001135649.3(FOXI3):c.1013G>A (p.Arg338His)

Gene: FOXI3 (forkhead box I3; minus strand). Cytogenetic location: 2p11.2.
Variant type: single nucleotide variant.
Coding change: c.1013G>A on transcript NM_001135649.3 (MANE Select); coding-DNA position 1013, G replaced by A.
Protein change: p.Arg338His; replaces arginine 338 with histidine.
Molecular consequence: missense variant.
Genome position (GRCh38, 1-based): chr2:88,448,457, C>T on the plus strand (G>A on the coding strand, the complement: FOXI3 is on the minus strand). VCF-style: chr2-88448457-C-T. GRCh37 (hg19) VCF-style: chr2-88747976-C-T.
Other names: short protein forms R338H.
Identifiers: ClinVar variation 2184656 (VCV002184656.4), dbSNP rs369600524, ClinGen allele CA51943840.
Genomic context (GRCh38, chr2:88,448,457, plus strand): 5'-ATGGAGGTCGGGGAGAACACGCCGCTGGAGGGCAGCTGGGCCCCCTGGATCCCTAGGTGG[C>T]GGCTGCCAGGGAGAGCCCGCTGGGTACTCACACTGCTGCTGACACTCAAGGAGCTGAGGC-3'
Protein context (NP_001129121.1, residues 328-348): VSTQRALPGS[Arg338His]HLGIQGAQLP